The following is an entry in ClinVar:

NM_000551.4(VHL):c.340+832T>G

Genes: VHL (von Hippel-Lindau tumor suppressor; plus strand), LOC107303340 (3p25 von Hippel-Lindau tumor suppressor, E3 ubiquitin protein ligase Alu-mediated recombination region; plus strand). Cytogenetic location: 3p25.3.
Variant type: single nucleotide variant.
Coding change: c.340+832T>G on transcript NM_000551.4 (MANE Select); 832 bases into the intron after coding-DNA position 340, T replaced by G.
Molecular consequence: intron variant. On other transcripts: 3 prime UTR variant (1).
Genome position (GRCh38, 1-based): chr3:10,143,019, T>G. VCF-style: chr3-10143019-T-G. GRCh37 (hg19) VCF-style: chr3-10184703-T-G.
Other names: c.*15T>G (NM_001354723.2); c.340+832T>G (NM_198156.3).
Identifiers: ClinVar variation 1513743 (VCV001513743.6), dbSNP rs1696165411, ClinGen allele CA2573136154.

ClinVar aggregate classification (germline): Uncertain significance (1 of 4 stars; one submission).

Conditions:
Von Hippel-Lindau syndrome (VHLS). Also called: VHL syndrome; von Hippel–Lindau syndrome; Von Hippel-Lindau. Identifiers: Orphanet 892, MedGen C0019562, MONDO:0008667, OMIM 193300. Disease mechanism: loss of function.
Chuvash polycythemia. Also called: POLYCYTHEMIA, VHL-DEPENDENT. Identifiers: Orphanet 238557, MedGen C1837915, MONDO:0009892, OMIM 263400.

Submission:

Labcorp Genetics (formerly Invitae), Labcorp
Classification: Uncertain significance for Von Hippel-Lindau syndrome; Chuvash polycythemia. Last evaluated: 2021-10-17. Review status: criteria provided, single submitter. Criteria: Invitae Variant Classification Sherloc (09022015). Collection method: clinical testing. Allele origin: germline.
Comment: This sequence change falls in intron 1 of the VHL gene. It is not expected to change the encoded amino acid sequence of the VHL protein. However, this sequence change falls within a cryptic exon in the VHL gene, known as exon E1’, which is naturally expressed at low levels in several human tissues (PMID: 29891534). The frequency data for this variant in the population databases is considered unreliable, as metrics indicate insufficient coverage at this position in the ExAC database. This variant has not been reported in the literature in individuals affected with VHL-related conditions. In summary, the available evidence is currently insufficient to determine the role of this variant in disease. Therefore, it has been classified as a Variant of Uncertain Significance.

Literature cited by the submitters: PubMed 29891534.